The following is an entry in ClinVar:

NM_201384.3(PLEC):c.13499G>A (p.Gly4500Asp)

Gene: PLEC (plectin; minus strand). Cytogenetic location: 8q24.3.
Variant type: single nucleotide variant.
Coding change: c.13499G>A on transcript NM_201384.3 (MANE Select); coding-DNA position 13499, G replaced by A.
Protein change: p.Gly4500Asp; replaces glycine 4500 with aspartic acid.
Molecular consequence: missense variant.
Genome position (GRCh38, 1-based): chr8:143,916,322, C>T on the plus strand (G>A on the coding strand, the complement: PLEC is on the minus strand). VCF-style: chr8-143916322-C-T. GRCh37 (hg19) VCF-style: chr8-144990490-C-T.
Other names: c.13580G>A, p.Gly4527Asp (NM_000445.5); c.10199G>A, p.Gly3400Asp (NM_001410941.1); c.13457G>A, p.Gly4486Asp (NM_201378.4); c.13433G>A, p.Gly4478Asp (NM_201379.3); c.13910G>A, p.Gly4637Asp (NM_201380.4); c.13403G>A, p.Gly4468Asp (NM_201381.3); c.13499G>A, p.Gly4500Asp (NM_201382.4); c.13511G>A, p.Gly4504Asp (NM_201383.3); short protein forms G4500D, G4637D, G4478D, G4486D, G4504D, G3400D, G4468D, G4527D.
Identifiers: ClinVar variation 2933689 (VCV002933689.3), dbSNP rs1324467598, ClinGen allele CA372474152.
Genomic context (GRCh38, chr8:143,916,322, plus strand): 5'-GATGAAGAGAAGGTCATGGAGAAGCCGGAGCCGGTGGCGTCAAAGCTGCCGCGGCGGGAG[C>T]CGGCCCGGGAGCCGGTGCGCGAGCCGGTGCGGGAGCCAGCGGTAGAGCCGGAGCCGCTGA-3'
Protein context (NP_958786.1, residues 4490-4510): RTGSRTGSRA[Gly4500Asp]SRRGSFDATG

ClinVar aggregate classification (germline): Uncertain significance (1 of 4 stars; one submission).

Conditions:
Epidermolysis bullosa simplex with nail dystrophy (EBS5D). Identifiers: MedGen C4225309, MONDO:0014661, OMIM 616487.
Epidermolysis bullosa simplex 5C, with pyloric atresia (EBS5C). Also called: PLEC-Related Epidermolysis Bullosa with Pyloric Atresia; Epidermolysis bullosa simplex with pyloric atresia; PLEC1-Related Epidermolysis Bullosa with Pyloric Atresia. Identifiers: Orphanet 158684, MedGen C2677349, MONDO:0012807, OMIM 612138.
Autosomal recessive limb-girdle muscular dystrophy type 2Q (LGMDR17). Also called: MUSCULAR DYSTROPHY, LIMB-GIRDLE, AUTOSOMAL RECESSIVE 17. Identifiers: Orphanet 254361, MedGen C3150989, MONDO:0013390, OMIM 613723.
Epidermolysis bullosa simplex, Ogna type (EBS5A). Also called: Pidermolysis bullosa simplex 5A, Ogna type; EPIDERMOLYSIS BULLOSA SIMPLEX 5A, OGNA TYPE. Identifiers: Orphanet 79401, MedGen C0432317, MONDO:0007555, OMIM 131950.
Epidermolysis bullosa simplex 5B, with muscular dystrophy (EBS5B). Also called: EPIDERMOLYSIS BULLOSA SIMPLEX AND LIMB-GIRDLE MUSCULAR DYSTROPHY; Epidermolysis bullosa simplex with muscular dystrophy. Identifiers: Orphanet 257, MedGen C2931072, MONDO:0009181, OMIM 226670.

gnomAD v4.1: 1 of 1,586,664 alleles (0.000063%); no homozygotes.

Submission:

Labcorp Genetics (formerly Invitae), Labcorp
Classification: Uncertain significance for Autosomal recessive limb-girdle muscular dystrophy type 2Q; Epidermolysis bullosa simplex, Ogna type; Epidermolysis bullosa simplex with nail dystrophy; Epidermolysis bullosa simplex 5C, with pyloric atresia; Epidermolysis bullosa simplex 5B, with muscular dystrophy. Last evaluated: 2023-08-17. Review status: criteria provided, single submitter. Criteria: Invitae Variant Classification Sherloc (09022015). Collection method: clinical testing. Allele origin: germline.
Comment: In summary, the available evidence is currently insufficient to determine the role of this variant in disease. Therefore, it has been classified as a Variant of Uncertain Significance. Advanced modeling of protein sequence and biophysical properties (such as structural, functional, and spatial information, amino acid conservation, physicochemical variation, residue mobility, and thermodynamic stability) performed at Invitae indicates that this missense variant is not expected to disrupt PLEC protein function. This variant has not been reported in the literature in individuals affected with PLEC-related conditions. This variant is not present in population databases (gnomAD no frequency). This sequence change replaces glycine, which is neutral and non-polar, with aspartic acid, which is acidic and polar, at codon 4527 of the PLEC protein (p.Gly4527Asp).